The following is an entry in ClinVar:

NM_033087.4(ALG2):c.686T>A (p.Leu229His)

Gene: ALG2 (ALG2 alpha-1,3/1,6-mannosyltransferase; minus strand). Cytogenetic location: 9q22.33.
Variant type: single nucleotide variant.
Coding change: c.686T>A on transcript NM_033087.4 (MANE Select); coding-DNA position 686, T replaced by A.
Protein change: p.Leu229His; replaces leucine 229 with histidine.
Molecular consequence: missense variant. On other transcripts: non-coding transcript variant (1).
Genome position (GRCh38, 1-based): chr9:99,218,499, A>T on the plus strand (T>A on the coding strand, the complement: ALG2 is on the minus strand). VCF-style: chr9-99218499-A-T. GRCh37 (hg19) VCF-style: chr9-101980781-A-T.
Other names: short protein forms L229H.
Identifiers: ClinVar variation 938218 (VCV000938218.9), dbSNP rs1828737491, ClinGen allele CA374228329.

ClinVar aggregate classification (germline): Uncertain significance (1 of 4 stars; one submission).

Conditions:
Congenital myasthenic syndrome 14. Also called: Myasthenic syndrome, congenital, 14, with tubular aggregates. Identifiers: Orphanet 353327, Orphanet 590, MedGen C4015597, MONDO:0014543, OMIM 616228.
Congenital disorder of glycosylation, type Ii. Also called: CDG Ii; ALG2-congenital disorder of glycosylation; ALG2-CDG. Identifiers: Orphanet 79326, MedGen C1842836, MONDO:0011933, OMIM 607906.

Submission:

Labcorp Genetics (formerly Invitae), Labcorp
Classification: Uncertain significance for Congenital disorder of glycosylation, type Ii; Congenital myasthenic syndrome 14. Last evaluated: 2025-09-15. Review status: criteria provided, single submitter. Criteria: Invitae Variant Classification Sherloc (09022015). Collection method: clinical testing. Allele origin: germline.
Comment: This sequence change replaces leucine, which is neutral and non-polar, with histidine, which is basic and polar, at codon 229 of the ALG2 protein (p.Leu229His). This variant is not present in population databases (gnomAD no frequency). This variant has not been reported in the literature in individuals affected with ALG2-related conditions. ClinVar contains an entry for this variant (Variation ID: 938218). An algorithm developed to predict the effect of missense changes on protein structure and function (PolyPhen-2) suggests that this variant is likely to be disruptive. In summary, the available evidence is currently insufficient to determine the role of this variant in disease. Therefore, it has been classified as a Variant of Uncertain Significance.